The following is an entry in ClinVar:

NM_004006.3(DMD):c.6830T>G (p.Val2277Gly)

Gene: DMD (dystrophin; minus strand). Cytogenetic location: Xp21.1.
Variant type: single nucleotide variant.
Coding change: c.6830T>G on transcript NM_004006.3 (MANE Select); coding-DNA position 6830, T replaced by G.
Protein change: p.Val2277Gly; replaces valine 2277 with glycine.
Molecular consequence: missense variant. On other transcripts: 5 prime UTR variant (5).
Genome position (GRCh38, 1-based): chrX:31,929,678, A>C on the plus strand (T>G on the coding strand, the complement: DMD is on the minus strand). VCF-style: chrX-31929678-A-C. GRCh37 (hg19) VCF-style: chrX-31947795-A-C.
Other names: c.6806T>G, p.Val2269Gly (NM_000109.4); c.6818T>G, p.Val2273Gly (NM_004009.3); c.6461T>G, p.Val2154Gly (NM_004010.3); c.2807T>G, p.Val936Gly (NM_004011.4); c.2798T>G, p.Val933Gly (NM_004012.4); c.-551T>G (NM_004013.3, NM_004020.4, NM_004021.3 and 2 more transcripts); short protein forms V2277G, V933G, V2273G, V936G, V2154G, V2269G.
Identifiers: ClinVar variation 597770 (VCV000597770.9), dbSNP rs1051247530, ClinGen allele CA328487632.

ClinVar aggregate classification (germline): Uncertain significance. Review status: criteria provided, multiple submitters, no conflicts (2 of 4 stars). 3 submissions from 3 submitters: Uncertain significance (3). Last evaluated 2025-10-26.

Conditions:
Duchenne muscular dystrophy (DMD). Also called: MUSCULAR DYSTROPHY, PSEUDOHYPERTROPHIC PROGRESSIVE, DUCHENNE TYPE; Duchenne Muscular Dystrophy (DMD). Identifiers: Orphanet 98896, MedGen C0013264, MONDO:0010679, OMIM 310200.

Allele frequency attached by ClinVar (database versions not stated): gnomAD exomes below 0.00001; TOPMed 0.00002.
gnomAD v4.1: 1 of 1,211,420 alleles (0.000083%); highest among the groups gnomAD compares: African/African-American, 0.0017%; no homozygotes.

Submissions (3):

Labcorp Genetics (formerly Invitae), Labcorp
Classification: Uncertain significance for Duchenne muscular dystrophy. Last evaluated: 2025-10-26. Review status: criteria provided, single submitter. Criteria: Invitae Variant Classification Sherloc (09022015). Collection method: clinical testing. Allele origin: germline.
Comment: This sequence change replaces valine, which is neutral and non-polar, with glycine, which is neutral and non-polar, at codon 2277 of the DMD protein (p.Val2277Gly). This variant is not present in population databases (gnomAD no frequency). This variant has not been reported in the literature in individuals affected with DMD-related conditions. ClinVar contains an entry for this variant (Variation ID: 597770). Invitae Evidence Modeling of protein sequence and biophysical properties (such as structural, functional, and spatial information, amino acid conservation, physicochemical variation, residue mobility, and thermodynamic stability) indicates that this missense variant is not expected to disrupt DMD protein function with a negative predictive value of 95%. In summary, the available evidence is currently insufficient to determine the role of this variant in disease. Therefore, it has been classified as a Variant of Uncertain Significance.

Women's Health and Genetics/Laboratory Corporation of America, LabCorp
Classification: Uncertain significance. Last evaluated: 2025-09-15. Review status: criteria provided, single submitter. Criteria: LabCorp Variant Classification Summary - May 2015. Collection method: clinical testing. Allele origin: germline.

Eurofins Ntd Llc (ga)
Classification: Uncertain significance. Last evaluated: 2018-07-02. Review status: criteria provided, single submitter. Criteria: EGL ClinVar v180209 classification definitions. Collection method: clinical testing. Allele origin: germline. Observed: 1 variant allele, 1 heterozygote.